The following is an entry in ClinVar:

ClinVar aggregate classification (germline): Uncertain significance (1 of 4 stars; one submission).

gnomAD v4.1: 37 of 1,613,390 alleles (0.0023%); highest among the groups gnomAD compares: Non-Finnish European, 0.0031%; no homozygotes.

Submission:

Labcorp Genetics (formerly Invitae), Labcorp
Classification: Uncertain significance. Last evaluated: 2024-04-23. Review status: criteria provided, single submitter. Criteria: Invitae Variant Classification Sherloc (09022015). Collection method: clinical testing. Allele origin: germline.
Comment: This sequence change replaces arginine, which is basic and polar, with proline, which is neutral and non-polar, at codon 203 of the ERBB2 protein (p.Arg203Pro). This variant is not present in population databases (gnomAD no frequency). This variant has not been reported in the literature in individuals affected with ERBB2-related conditions. ClinVar contains an entry for this variant (Variation ID: 1377298). Advanced modeling of protein sequence and biophysical properties (such as structural, functional, and spatial information, amino acid conservation, physicochemical variation, residue mobility, and thermodynamic stability) performed at Invitae indicates that this missense variant is not expected to disrupt ERBB2 protein function with a negative predictive value of 80%. In summary, the available evidence is currently insufficient to determine the role of this variant in disease. Therefore, it has been classified as a Variant of Uncertain Significance.

NM_004448.4(ERBB2):c.608G>C (p.Arg203Pro)

Gene: ERBB2 (erb-b2 receptor tyrosine kinase 2; plus strand). Cytogenetic location: 17q12.
Variant type: single nucleotide variant.
Coding change: c.608G>C on transcript NM_004448.4 (MANE Select); coding-DNA position 608, G replaced by C.
Protein change: p.Arg203Pro; replaces arginine 203 with proline.
Molecular consequence: missense variant. On other transcripts: non-coding transcript variant (1), intron variant (2).
Genome position (GRCh38, 1-based): chr17:39,709,846, G>C. VCF-style: chr17-39709846-G-C. GRCh37 (hg19) VCF-style: chr17-37866099-G-C.
Other names: c.518G>C, p.Arg173Pro (NM_001005862.3, NM_001289938.2, NM_001382782.1 and 1 more transcripts); c.563G>C, p.Arg188Pro (NM_001289936.2); c.608G>C, p.Arg203Pro (NM_001289937.2, NM_001382784.1, NM_001382785.1 and 17 more transcripts); c.683G>C, p.Arg228Pro (NM_001382787.1); c.599G>C, p.Arg200Pro (NM_001382791.1); c.440-12G>C (NM_001382799.1); c.74-2082G>C (NM_001382804.1); short protein forms R173P, R188P, R203P, R200P, R228P.
Identifiers: ClinVar variation 1377298 (VCV001377298.6), dbSNP rs896171398, ClinGen allele CA290423913.
Genomic context (GRCh38, chr17:39,709,846, plus strand): 5'-ACTGCCTGTCTCTGGTTCTGTCCTCAGGCCACCCCTGTTCTCCGATGTGTAAGGGCTCCC[G>C]CTGCTGGGGAGAGAGTTCTGAGGATTGTCAGAGCCGTGAGTCTCAGGGAGGCCTGGAGTC-3'
Protein context (NP_004439.2, residues 193-213): HPCSPMCKGS[Arg203Pro]CWGESSEDCQ